The following is an entry in ClinVar:

ClinVar aggregate classification (germline): Uncertain significance. Review status: criteria provided, multiple submitters, no conflicts (2 of 4 stars). 4 submissions from 4 submitters: Uncertain significance (4). Last evaluated 2026-09-01.

Conditions:
ALPL-related disorder. Also called: ALPL-related condition; ALPL-related disorders.
Inborn genetic diseases. Identifiers: MedGen C0950123, MeSH D030342.
Hypophosphatasia. Also called: Phosphoethanol-aminuria. Identifiers: Orphanet 436, MedGen C0020630, MeSH D007014, MONDO:0018570.

Allele frequency attached by ClinVar (database versions not stated): gnomAD exomes below 0.00001; TOPMed 0.00001.

Submissions (4):

Genomenon, Inc
Classification: Uncertain significance for Hypophosphatasia. Last evaluated: 2026-09-01. Review status: criteria provided, single submitter. Criteria: Genomenon Sequence Variant Interpretation Standards - Updated. Collection method: curation. Allele origin: germline. Affected: yes.
Comment: ALPL p.Ile319Met (c.957C>G) is a missense variant that changes the amino acid at codon 319 from Isoleucine to Methionine. This variant has been observed in at least one proband affected with an ALPL-related disorder (PMID:34633109). It is absent or not present at a significant frequency in gnomAD. In conclusion, we classify ALPL p.Ile319Met (c.957C>G) as a variant of uncertain significance.

PreventionGenetics, part of Exact Sciences
Classification: Uncertain significance for ALPL-related condition. Last evaluated: 2025-09-14. Review status: criteria provided, single submitter. Criteria: ACMG Guidelines, 2015. Collection method: clinical testing. Allele origin: germline.
Comment: The ALPL c.957C>G variant is predicted to result in the amino acid substitution p.Ile319Met. This variant has been reported as a variant of uncertain significance (VUS) in an individual with hypophosphataemia (Table S2, Rush et al. 2022. PubMed ID: 34633109). An alternative substitution affecting the same amino acid (c.955A>T, p.Ile319Phe) has also been reported as a VUS in one individual with hypophosphataemia (Table S1, Kishnani et al. 2024. PubMed ID: 38884565). This variant is reported in 0.0040% of alleles in individuals of African descent in gnomAD. At this time, the clinical significance of this variant is uncertain due to the absence of conclusive functional and genetic evidence.

Labcorp Genetics (formerly Invitae), Labcorp
Classification: Uncertain significance. Last evaluated: 2024-09-01. Review status: criteria provided, single submitter. Criteria: Invitae Variant Classification Sherloc (09022015). Collection method: clinical testing. Allele origin: germline.
Comment: This sequence change replaces isoleucine, which is neutral and non-polar, with methionine, which is neutral and non-polar, at codon 319 of the ALPL protein (p.Ile319Met). This variant is present in population databases (no rsID available, gnomAD 0.004%). This missense change has been observed in individual(s) with clinical features of hypophosphatemia (PMID: 34633109). ClinVar contains an entry for this variant (Variation ID: 1038469). Invitae Evidence Modeling of protein sequence and biophysical properties (such as structural, functional, and spatial information, amino acid conservation, physicochemical variation, residue mobility, and thermodynamic stability) indicates that this missense variant is expected to disrupt ALPL protein function with a positive predictive value of 95%. In summary, the available evidence is currently insufficient to determine the role of this variant in disease. Therefore, it has been classified as a Variant of Uncertain Significance.

Ambry Genetics
Classification: Uncertain significance for Inborn genetic diseases. Last evaluated: 2022-12-01. Review status: criteria provided, single submitter. Criteria: Ambry Variant Classification Scheme 2023. Collection method: clinical testing. Allele origin: germline.

Literature cited by the submitters: PubMed 34633109 (cited by Genomenon, Inc and Labcorp Genetics (formerly Invitae), Labcorp).

NM_000478.6(ALPL):c.957C>G (p.Ile319Met)

Gene: ALPL (alkaline phosphatase, biomineralization associated; plus strand). Cytogenetic location: 1p36.12.
Variant type: single nucleotide variant.
Coding change: c.957C>G on transcript NM_000478.6 (MANE Select); coding-DNA position 957, C replaced by G.
Protein change: p.Ile319Met; replaces isoleucine 319 with methionine.
Molecular consequence: missense variant.
Genome position (GRCh38, 1-based): chr1:21,573,759, C>G. VCF-style: chr1-21573759-C-G. GRCh37 (hg19) VCF-style: chr1-21900252-C-G.
Other names: c.957C>G (NM_000478.4, NM_000478.5); c.792C>G, p.Ile264Met (NM_001127501.4); c.726C>G, p.Ile242Met (NM_001177520.3); c.957C>G, p.Ile319Met (NM_001369803.2, NM_001369804.2, NM_001369805.2); short protein forms I319M, I264M, I242M.
Identifiers: ClinVar variation 1038469 (VCV001038469.10), dbSNP rs1310593535, ClinGen allele CA338880363.